The following is an entry in ClinVar:

NM_001130144.3(LTBP3):c.2949C>G (p.Ile983Met)

Genes: LTBP3 (latent transforming growth factor beta binding protein 3; minus strand), LOC121832793 (Sharpr-MPRA regulatory region 4001; plus strand). Cytogenetic location: 11q13.1.
Variant type: single nucleotide variant.
Coding change: c.2949C>G on transcript NM_001130144.3 (MANE Select); coding-DNA position 2949, C replaced by G.
Protein change: p.Ile983Met; replaces isoleucine 983 with methionine.
Molecular consequence: missense variant.
Genome position (GRCh38, 1-based): chr11:65,540,899, G>C on the plus strand (C>G on the coding strand, the complement: LTBP3 is on the minus strand). VCF-style: chr11-65540899-G-C. GRCh37 (hg19) VCF-style: chr11-65308370-G-C.
Other names: c.2598C>G, p.Ile866Met (NM_001164266.1); c.2949C>G, p.Ile983Met (NM_021070.4); short protein forms I983M, I866M.
Identifiers: ClinVar variation 3686969 (VCV003686969.2).

ClinVar aggregate classification (germline): Uncertain significance (1 of 4 stars; one submission).

Conditions:
Brachyolmia-amelogenesis imperfecta syndrome. Also called: Tooth agenesis, selective, 6; Dental anomalies and short stature; PLATYSPONDYLY WITH AMELOGENESIS IMPERFECTA. Identifiers: Orphanet 2899, MedGen C1832594, MONDO:0011018, OMIM 601216. Disease mechanism: loss of function.

Submission:

Labcorp Genetics (formerly Invitae), Labcorp
Classification: Uncertain significance for Brachyolmia-amelogenesis imperfecta syndrome. Last evaluated: 2024-03-02. Review status: criteria provided, single submitter. Criteria: Invitae Variant Classification Sherloc (09022015). Collection method: clinical testing. Allele origin: germline.
Comment: This sequence change replaces isoleucine, which is neutral and non-polar, with methionine, which is neutral and non-polar, at codon 983 of the LTBP3 protein (p.Ile983Met). This variant is present in population databases (rs781653318, gnomAD 0.0009%). This variant has not been reported in the literature in individuals affected with LTBP3-related conditions. An algorithm developed to predict the effect of missense changes on protein structure and function (PolyPhen-2) suggests that this variant is likely to be disruptive. In summary, the available evidence is currently insufficient to determine the role of this variant in disease. Therefore, it has been classified as a Variant of Uncertain Significance.